The following is an entry in ClinVar:

ClinVar aggregate classification (germline): Uncertain significance (1 of 4 stars; one submission).

Submission:

GeneDx
Classification: Uncertain significance. Last evaluated: 2024-04-01. Review status: criteria provided, single submitter. Criteria: GeneDx Variant Classification Process June 2021. Collection method: clinical testing. Allele origin: germline. Affected: yes.
Comment: Not observed at significant frequency in large population cohorts (gnomAD); In silico analysis supports that this missense variant does not alter protein structure/function; Has not been previously published as pathogenic or benign to our knowledge

NM_001271.4(CHD2):c.2722A>C (p.Lys908Gln)

Gene: CHD2 (chromodomain helicase DNA binding protein 2; plus strand). Cytogenetic location: 15q26.1.
Variant type: single nucleotide variant.
Coding change: c.2722A>C on transcript NM_001271.4 (MANE Select); coding-DNA position 2722, A replaced by C.
Protein change: p.Lys908Gln; replaces lysine 908 with glutamine.
Molecular consequence: missense variant.
Genome position (GRCh38, 1-based): chr15:92,978,378, A>C. VCF-style: chr15-92978378-A-C. GRCh37 (hg19) VCF-style: chr15-93521608-A-C.
Other names: short protein forms K908Q.
Identifiers: ClinVar variation 3371686 (VCV003371686.1).